The following is an entry in ClinVar:

NM_016035.5(COQ4):c.533G>A (p.Gly178Glu)

Gene: COQ4 (coenzyme Q4; plus strand). Cytogenetic location: 9q34.11.
Variant type: single nucleotide variant.
Coding change: c.533G>A on transcript NM_016035.5 (MANE Select); coding-DNA position 533, G replaced by A.
Protein change: p.Gly178Glu; replaces glycine 178 with glutamic acid.
Molecular consequence: missense variant. On other transcripts: intron variant (1).
Genome position (GRCh38, 1-based): chr9:128,332,850, G>A. VCF-style: chr9-128332850-G-A. GRCh37 (hg19) VCF-style: chr9-131095129-G-A.
Other names: c.*3-624G>A (NM_001305942.2); short protein forms G178E.
Identifiers: ClinVar variation 1333992 (VCV001333992.7), dbSNP rs754865584, ClinGen allele CA5260624.

ClinVar aggregate classification (germline): Conflicting classifications of pathogenicity. Review status: criteria provided, conflicting classifications (1 of 4 stars). 5 submissions from 5 submitters: Likely pathogenic (1); Uncertain significance (3). 1 of the submissions does not count toward it. Last evaluated 2025-06-29.

Conditions:
Spastic ataxia 10, autosomal recessive (SPAX10). Identifiers: MedGen C5882738, MONDO:0958009, OMIM 620666.
Neonatal encephalomyopathy-cardiomyopathy-respiratory distress syndrome. Also called: Coenzyme Q10 deficiency, primary, 7. Identifiers: Orphanet 457185, MedGen C5568562, MONDO:0014562, OMIM 616276.

Allele frequency attached by ClinVar (database versions not stated): gnomAD exomes below 0.00001 and 0.00002; TOPMed 0.00001; ExAC 0.00002.
gnomAD v4.1: 3 of 1,612,760 alleles (0.00019%); highest among the groups gnomAD compares: East Asian, 0.0045%; no homozygotes.

Submissions (5):

GeneDx
Classification: Uncertain significance. Last evaluated: 2025-06-29. Review status: criteria provided, single submitter. Criteria: GeneDx Variant Classification Process June 2021. Collection method: clinical testing. Allele origin: germline. Affected: yes.
Comment: Reported along with a pathogenic variant in the COQ4 gene in a proband with neonatal hypertrophic cardiomyopathy; however, segregation information was not provided (PMID: 31325447); In silico analysis supports that this missense variant has a deleterious effect on protein structure/function; In silico analysis supports a deleterious effect on splicing; This variant is associated with the following publications: (PMID: 38013626, 34992632, 35598585, 31325447)

Women's Health and Genetics/Laboratory Corporation of America, LabCorp
Classification: Uncertain significance. Last evaluated: 2024-05-28. Review status: criteria provided, single submitter. Criteria: LabCorp Variant Classification Summary - May 2015. Collection method: clinical testing. Allele origin: germline.
Comment: Variant summary: COQ4 c.533G>A (p.Gly178Glu) results in a non-conservative amino acid change in the encoded protein sequence. Four of five in-silico tools predict a damaging effect of the variant on protein function. Consensus agreement among computation tools predict no significant impact on normal splicing. However, these predictions have yet to be confirmed by functional studies. The variant allele was found at a frequency of 1.6e-05 in 251472 control chromosomes. c.533G>A has been reported in the literature in compound heterozygous individuals affected with COQ4 deficiency resulting in fatal neonatal hypertrophic cardiomyopathy, coenzyme Q10 deficiency, or other unspecified mitochondrial disorder (e.g. Ling_2019, Wu_2022, Yao_2021). These data indicate that the variant may be associated with disease. To our knowledge, no experimental evidence demonstrating an impact on protein function has been reported. The following publications have been ascertained in the context of this evaluation (PMID: 31325447, 35598585, 34992632). ClinVar contains an entry for this variant (Variation ID: 1333992). Based on the evidence outlined above, the variant was classified as VUS-possibly pathogenic.

CENTOGENE GmbH and LLC - Guiding Precision Medicine
Classification: Uncertain significance for Neonatal encephalomyopathy-cardiomyopathy-respiratory distress syndrome. Last evaluated: 2019-05-14. Review status: criteria provided, single submitter. Criteria: ACMG Guidelines, 2015. Collection method: clinical testing. Allele origin: germline. Affected: yes.

Juno Genomics, Hangzhou Juno Genomics, Inc
Classification: Likely pathogenic for Neonatal encephalomyopathy-cardiomyopathy-respiratory distress syndrome; Spastic ataxia 10, autosomal recessive. Review status: criteria provided, single submitter. Criteria: ACMG Guidelines, 2015. Collection method: clinical testing. Allele origin: germline.
Comment: Absent from controls (or at extremely low frequency if recessive) in Genome Aggregation Database.;Multiple lines of computational evidence support a deleterious effect on the gene or gene product.;For recessive disorders, detected in trans with a pathogenic variant.;Patient's phenotype or family history is highly specific for a disease with a single genetic etiology.

OMIM
Classification: Pathogenic for SPASTIC ATAXIA 10, AUTOSOMAL RECESSIVE. Last evaluated: 2024-05-07. Review status: no assertion criteria provided. Collection method: literature only. Allele origin: germline. Not counted in ClinVar's aggregate classification.

Literature cited by the submitters: PubMed 35598585 (cited by Women's Health and Genetics/Laboratory Corporation of America, LabCorp); PubMed 31325447 (cited by Women's Health and Genetics/Laboratory Corporation of America, LabCorp); PubMed 34992632 (cited by Women's Health and Genetics/Laboratory Corporation of America, LabCorp); PubMed 38013626 (cited by OMIM).